The following is an entry in ClinVar:

NM_002180.3(IGHMBP2):c.611T>C (p.Leu204Pro)

Gene: IGHMBP2 (immunoglobulin mu DNA binding protein 2; plus strand). Cytogenetic location: 11q13.3.
Variant type: single nucleotide variant.
Coding change: c.611T>C on transcript NM_002180.3 (MANE Select); coding-DNA position 611, T replaced by C.
Protein change: p.Leu204Pro; replaces leucine 204 with proline.
Molecular consequence: missense variant.
Genome position (GRCh38, 1-based): chr11:68,911,503, T>C. VCF-style: chr11-68911503-T-C. GRCh37 (hg19) VCF-style: chr11-68678971-T-C.
Other names: short protein forms L204P.
Identifiers: ClinVar variation 3370987 (VCV003370987.1).

ClinVar aggregate classification (germline): Uncertain significance (1 of 4 stars; one submission).

Submission:

GeneDx
Classification: Uncertain significance. Last evaluated: 2024-03-28. Review status: criteria provided, single submitter. Criteria: GeneDx Variant Classification Process June 2021. Collection method: clinical testing. Allele origin: germline. Affected: yes.
Comment: Not observed at significant frequency in large population cohorts (gnomAD); In silico analysis supports that this missense variant has a deleterious effect on protein structure/function; Has not been previously published as pathogenic or benign to our knowledge; This variant is associated with the following publications: (PMID: 24388491, 25439726, 22965130)